The following is an entry in ClinVar:

Conditions:
Long QT syndrome 5 (LQT5). Identifiers: Orphanet 101016, Orphanet 768, MedGen C1867904, MONDO:0013372, OMIM 613695.

Submission:

Roden Lab, Vanderbilt University Medical Center
No classification provided (evidence only). Condition: Long QT syndrome 5. Review status: no classification provided. Collection method: in vitro. Allele origin: not applicable. Functional consequence: Effect on ion channel function.
ClinVar note: "not provided" was previously submitted as the classification for the variant. However, the classification appeared to be based only on an observation of functional data so it was converted to no classification on 2025-07-30.

NM_000219.6(KCNE1):c.339G>C (p.Leu113=)

Gene: KCNE1 (potassium voltage-gated channel subfamily E regulatory subunit 1; minus strand). Cytogenetic location: 21q22.12.
Variant type: single nucleotide variant.
Coding change: c.339G>C on transcript NM_000219.6 (MANE Select); coding-DNA position 339, G replaced by C.
Protein change: p.Leu113=; no amino-acid change (leucine 113 retained).
Molecular consequence: synonymous variant.
Genome position (GRCh38, 1-based): chr21:34,449,296, C>G on the plus strand (G>C on the coding strand, the complement: KCNE1 is on the minus strand). VCF-style: chr21-34449296-C-G. GRCh37 (hg19) VCF-style: chr21-35821594-C-G.
Other names: c.339G>C, p.Leu113= (NM_001127668.4, NM_001127669.4, NM_001127670.4 and 4 more transcripts).
Identifiers: ClinVar variation 3374683 (VCV003374683.2).